The following is an entry in ClinVar:

ClinVar aggregate classification (germline): Uncertain significance (1 of 4 stars; one submission).

gnomAD v4.1: 2 of 1,613,778 alleles (0.00012%); highest among the groups gnomAD compares: Non-Finnish European, 0.00017%; no homozygotes.

Submission:

Ambry Genetics
Classification: Uncertain significance. Last evaluated: 2025-06-01. Review status: criteria provided, single submitter. Criteria: Ambry Variant Classification Scheme 2023. Collection method: clinical testing. Allele origin: germline.
Comment: The p.I761T variant (also known as c.2282T>C), located in coding exon 20 of the SLMAP gene, results from a T to C substitution at nucleotide position 2282. The isoleucine at codon 761 is replaced by threonine, an amino acid with similar properties. This amino acid position is conserved. In addition, this alteration is predicted to be tolerated by in silico analysis. Based on the available evidence, the clinical significance of this variant remains unclear.

NM_001377540.1(SLMAP):c.2384T>C (p.Ile795Thr)

Gene: SLMAP (sarcolemma associated protein; plus strand). Cytogenetic location: 3p14.3.
Variant type: single nucleotide variant.
Coding change: c.2384T>C on transcript NM_001377540.1 (MANE Select); coding-DNA position 2384, T replaced by C.
Protein change: p.Ile795Thr; replaces isoleucine 795 with threonine.
Molecular consequence: missense variant. On other transcripts: non-coding transcript variant (1).
Genome position (GRCh38, 1-based): chr3:57,922,962, T>C. VCF-style: chr3-57922962-T-C. GRCh37 (hg19) VCF-style: chr3-57908689-T-C.
Other names: c.2333T>C, p.Ile778Thr (NM_001304420.3, NM_001377541.1, NM_001377542.1); c.2219T>C, p.Ile740Thr (NM_001304421.2, NM_001377557.1, NM_001377559.1); c.935T>C, p.Ile312Thr (NM_001304422.3, NM_001311178.2); c.737T>C, p.Ile246Thr (NM_001304423.3); c.2405T>C, p.Ile802Thr (NM_001377538.1); c.2384T>C, p.Ile795Thr (NM_001377539.1); c.2321T>C, p.Ile774Thr (NM_001377545.1); c.2282T>C, p.Ile761Thr (NM_001377549.1, NM_007159.5); and 8 more; short protein forms I716T, I737T, I754T, I774T, I246T, I271T, I312T, I720T.
Identifiers: ClinVar variation 3798756 (VCV003798756.2).